The following is an entry in ClinVar:

ClinVar aggregate classification (germline): Pathogenic/Likely pathogenic. Review status: criteria provided, multiple submitters, no conflicts (2 of 4 stars). 2 submissions from 2 submitters: Pathogenic (1); Likely pathogenic (1). Last evaluated 2022-12-15.

Conditions:
Merosin deficient congenital muscular dystrophy (MDC1A). Also called: Congenital merosin-deficient muscular dystrophy 1A; Congenital Muscular Dystrophy Type 1A (MDC1A). Identifiers: Orphanet 258, MedGen C1263858, MONDO:0011925, OMIM 607855.
LAMA2-related muscular dystrophy (LAMA2-RD). Also called: Laminin alpha 2-related dystrophy. Identifiers: MedGen C5679788, MONDO:0100228.

Submissions (2):

Baylor Genetics
Classification: Likely pathogenic for Merosin deficient congenital muscular dystrophy. Last evaluated: 2022-12-15. Review status: criteria provided, single submitter. Criteria: ACMG Guidelines, 2015. Collection method: clinical testing. Allele origin: unknown.

Labcorp Genetics (formerly Invitae), Labcorp
Classification: Pathogenic for LAMA2-related muscular dystrophy. Last evaluated: 2021-08-10. Review status: criteria provided, single submitter. Criteria: Invitae Variant Classification Sherloc (09022015). Collection method: clinical testing. Allele origin: germline.
Comment: This variant has not been reported in the literature in individuals affected with LAMA2-related conditions. For these reasons, this variant has been classified as Pathogenic. This variant is not present in population databases (ExAC no frequency). This sequence change creates a premature translational stop signal (p.Ser2625Ilefs*5) in the LAMA2 gene. It is expected to result in an absent or disrupted protein product. Loss-of-function variants in LAMA2 are known to be pathogenic (PMID: 18700894).

Literature cited by the submitters: PubMed 18700894 (cited by Labcorp Genetics (formerly Invitae), Labcorp).

NM_000426.4(LAMA2):c.7870_7871dup (p.Ser2625fs)

Gene: LAMA2 (laminin subunit alpha 2; plus strand). Cytogenetic location: 6q22.33.
Variant type: Duplication.
Coding change: c.7870_7871dup on transcript NM_000426.4 (MANE Select); coding-DNA positions 7870 to 7871, 2 bases duplicated (CA; older notation c.7870_7871dupCA).
Protein change: p.Ser2625fs; shifts the reading frame from serine 2625.
Molecular consequence: frameshift variant.
Genome position (GRCh38, 1-based): chr6:129,486,594-129,486,595, CA duplicated; duplicating any 2 consecutive bases within chr6:129,486,593-129,486,595 gives the same sequence; the c. name uses the placement nearest the transcript's 3' end. VCF-style (leftmost placement, unchanged base first): chr6-129486592-A-AAC. GRCh37 (hg19) VCF-style: chr6-129807737-A-AAC.
Other names: c.7858_7859dup, p.Ser2621fs (NM_001079823.2); short protein forms S2621fs, S2625fs.
Identifiers: ClinVar variation 1431215 (VCV001431215.7), dbSNP rs2114849148, ClinGen allele CA2573140501.